The following is an entry in ClinVar:

NM_002880.3:c.(?_-1)_(1370+1_1371-1)dup

Gene: RAF1 (Raf-1 proto-oncogene, serine/threonine kinase; minus strand).
Variant type: Duplication.
Identifiers: ClinVar variation 3895425 (VCV003895425.1).

ClinVar aggregate classification (germline): Uncertain significance (1 of 4 stars; one submission).

Conditions:
Cardiovascular phenotype. Identifiers: MedGen CN230736.

Submission:

Molecular Diagnostic Laboratory for Inherited Cardiovascular Disease, Montreal Heart Institute
Classification: Uncertain significance for Cardiovascular phenotype. Last evaluated: 2025-04-09. Review status: criteria provided, single submitter. Criteria: ACMG Guidelines, 2015. Collection method: clinical testing. Allele origin: germline. Affected: yes.
Comment: PVS1_mod, BS1